The following is an entry in ClinVar:

NM_000051.4(ATM):c.3905G>A (p.Gly1302Asp)

Gene: ATM (ATM serine/threonine kinase; plus strand). Cytogenetic location: 11q22.3.
Variant type: single nucleotide variant.
Coding change: c.3905G>A on transcript NM_000051.4 (MANE Select); coding-DNA position 3905, G replaced by A.
Protein change: p.Gly1302Asp; replaces glycine 1302 with aspartic acid.
Molecular consequence: missense variant.
Genome position (GRCh38, 1-based): chr11:108,284,385, G>A. VCF-style: chr11-108284385-G-A. GRCh37 (hg19) VCF-style: chr11-108155112-G-A.
Other names: c.3905G>A, p.Gly1302Asp (NM_001351834.2); short protein forms G1302D.
Identifiers: ClinVar variation 2453923 (VCV002453923.3), dbSNP rs761673223, ClinGen allele CA382525679.
Genomic context (GRCh38, chr11:108,284,385, plus strand): 5'-TTCTAACAGACTGCTTTCCAAAGATTCTTGTAAATATTCTTCCTTATTTTGCCTATGAGG[G>A]TACCAGAGACAGTGGGATGGCACAGCAAAGAGAGACTGCTACCAAGGTCTATGATATGCT-3'
Protein context (NP_000042.3, residues 1292-1312): VNILPYFAYE[Gly1302Asp]TRDSGMAQQR

ClinVar aggregate classification (germline): Uncertain significance. Review status: criteria provided, multiple submitters, no conflicts (2 of 4 stars). 2 submissions from 2 submitters: Uncertain significance (2). Last evaluated 2025-12-28.

Conditions:
Hereditary cancer-predisposing syndrome. Also called: Hereditary neoplastic syndrome; Tumor predisposition; Neoplastic Syndromes, Hereditary; Hereditary Cancer Syndrome. Identifiers: Orphanet 140162, MedGen C0027672, MeSH D009386, MONDO:0015356.
Ataxia-telangiectasia syndrome (AT). Also called: Ataxia-telangiectasia, complementation group D; AT, COMPLEMENTATION GROUP C; Cerebello-oculocutaneous telangiectasia; Immunodeficiency with ataxia telangiectasia; Ataxia-telangiectasia, complementation group E; Ataxia telangiectasia (A-T). Identifiers: Orphanet 100, MedGen C0004135, MONDO:0008840, OMIM 208900.

Submissions (2):

Labcorp Genetics (formerly Invitae), Labcorp
Classification: Uncertain significance for Ataxia-telangiectasia syndrome. Last evaluated: 2025-12-28. Review status: criteria provided, single submitter. Criteria: Invitae Variant Classification Sherloc (09022015). Collection method: clinical testing. Allele origin: germline.
Comment: This sequence change replaces glycine, which is neutral and non-polar, with aspartic acid, which is acidic and polar, at codon 1302 of the ATM protein (p.Gly1302Asp). This variant is not present in population databases (gnomAD no frequency). This variant has not been reported in the literature in individuals affected with ATM-related conditions. ClinVar contains an entry for this variant (Variation ID: 2453923). Invitae Evidence Modeling of protein sequence and biophysical properties (such as structural, functional, and spatial information, amino acid conservation, physicochemical variation, residue mobility, and thermodynamic stability) indicates that this missense variant is not expected to disrupt ATM protein function with a negative predictive value of 95%. In summary, the available evidence is currently insufficient to determine the role of this variant in disease. Therefore, it has been classified as a Variant of Uncertain Significance.

Ambry Genetics
Classification: Uncertain significance for Hereditary cancer-predisposing syndrome. Last evaluated: 2022-11-22. Review status: criteria provided, single submitter. Criteria: Ambry Variant Classification Scheme 2023. Collection method: clinical testing. Allele origin: germline.
Comment: The p.G1302D variant (also known as c.3905G>A), located in coding exon 25 of the ATM gene, results from a G to A substitution at nucleotide position 3905. The glycine at codon 1302 is replaced by aspartic acid, an amino acid with similar properties. This amino acid position is not well conserved in available vertebrate species, and aspartic acid is the reference amino acid in other vertebrate species. In addition, this alteration is predicted to be tolerated by in silico analysis. Since supporting evidence is limited at this time, the clinical significance of this alteration remains unclear.